The following is an entry in ClinVar:

ClinVar aggregate classification (germline): Benign. Review status: criteria provided, single submitter (1 of 4 stars). 2 submissions from 2 submitters: Benign (1). 1 of the submissions does not count toward it. Last evaluated 2025-11-25.

Conditions:
LAGE3-related disorder. Also called: LAGE3-related condition.

Allele frequency attached by ClinVar (database versions not stated): gnomAD 0.00020 and 0.00028; gnomAD exomes 0.00022 and 0.00086; TOPMed 0.00033; ExAC 0.00088; 1000 Genomes Project 0.00159; 1000 Genomes Project 30x 0.00208.
gnomAD v4.1: 270 of 1,210,988 alleles (0.022%); highest among the groups gnomAD compares: East Asian, 0.56%; 1 homozygote.

Submissions (2):

Labcorp Genetics (formerly Invitae), Labcorp
Classification: Benign. Last evaluated: 2025-11-25. Review status: criteria provided, single submitter. Criteria: Invitae Variant Classification Sherloc (09022015). Collection method: clinical testing. Allele origin: germline.

PreventionGenetics, part of Exact Sciences
Classification: Benign for LAGE3-related condition. Last evaluated: 2019-06-18. Review status: no assertion criteria provided. Collection method: clinical testing. Allele origin: germline. Not counted in ClinVar's aggregate classification.
Comment: This variant is classified as benign based on ACMG/AMP sequence variant interpretation guidelines (Richards et al. 2015 PMID: 25741868, with internal and published modifications).

NM_006014.5(LAGE3):c.391G>A (p.Val131Met)

Gene: LAGE3 (L antigen family member 3; minus strand). Cytogenetic location: Xq28.
Variant type: single nucleotide variant.
Coding change: c.391G>A on transcript NM_006014.5 (MANE Select); coding-DNA position 391, G replaced by A.
Protein change: p.Val131Met; replaces valine 131 with methionine.
Molecular consequence: missense variant.
Genome position (GRCh38, 1-based): chrX:154,477,985, C>T on the plus strand (G>A on the coding strand, the complement: LAGE3 is on the minus strand). VCF-style: chrX-154477985-C-T. GRCh37 (hg19) VCF-style: chrX-153706324-C-T.
Other names: short protein forms V131M.
Identifiers: ClinVar variation 735048 (VCV000735048.10), dbSNP rs190210772, ClinGen allele CA10565200.
Genomic context (GRCh38, chrX:154,477,985, plus strand): 5'-CCATTTGCCCAGGCCAGGCTTAGCGGGAAACGGGGGGCCCAAAGCGCTGCATGGTCCGCA[C>T]CACCAGGGAAAGCTGGTCAAGAAAGTTGATGACGGAAATTCGGAGCAGGCGACAGTCTTC-3'
Protein context (NP_006005.2, residues 121-141): INFLDQLSLV[Val131Met]RTMQRFGPPV